The following is an entry in ClinVar:

ClinVar aggregate classification (germline): Uncertain significance. Review status: criteria provided, multiple submitters, no conflicts (2 of 4 stars). 2 submissions from 2 submitters: Uncertain significance (2). Last evaluated 2025-03-14.

Conditions:
Hereditary cancer-predisposing syndrome. Also called: Hereditary Cancer Syndrome; Neoplastic Syndromes, Hereditary; Tumor predisposition; Hereditary neoplastic syndrome. Identifiers: Orphanet 140162, MedGen C0027672, MeSH D009386, MONDO:0015356.

Allele frequency attached by ClinVar (database versions not stated): gnomAD exomes below 0.00001.

Submissions (2):

Ambry Genetics
Classification: Uncertain significance for Hereditary cancer-predisposing syndrome. Last evaluated: 2025-03-14. Review status: criteria provided, single submitter. Criteria: Ambry Variant Classification Scheme 2023. Collection method: clinical testing. Allele origin: germline.
Comment: The p.Y148C variant (also known as c.443A>G), located in coding exon 3 of the CTNNA1 gene, results from an A to G substitution at nucleotide position 443. The tyrosine at codon 148 is replaced by cysteine, an amino acid with highly dissimilar properties. This amino acid position is conserved. In addition, the in silico prediction for this alteration is inconclusive. Based on the available evidence, the clinical significance of this variant remains unclear.

Labcorp Genetics (formerly Invitae), Labcorp
Classification: Uncertain significance. Last evaluated: 2022-10-27. Review status: criteria provided, single submitter. Criteria: Invitae Variant Classification Sherloc (09022015). Collection method: clinical testing. Allele origin: germline.
Comment: In summary, the available evidence is currently insufficient to determine the role of this variant in disease. Therefore, it has been classified as a Variant of Uncertain Significance. Advanced modeling of protein sequence and biophysical properties (such as structural, functional, and spatial information, amino acid conservation, physicochemical variation, residue mobility, and thermodynamic stability) performed at Invitae indicates that this missense variant is not expected to disrupt CTNNA1 protein function. This variant has not been reported in the literature in individuals affected with CTNNA1-related conditions. This variant is not present in population databases (gnomAD no frequency). This sequence change replaces tyrosine, which is neutral and polar, with cysteine, which is neutral and slightly polar, at codon 148 of the CTNNA1 protein (p.Tyr148Cys).

NM_001903.5(CTNNA1):c.443A>G (p.Tyr148Cys)

Gene: CTNNA1 (catenin alpha 1; plus strand). Cytogenetic location: 5q31.2.
Variant type: single nucleotide variant.
Coding change: c.443A>G on transcript NM_001903.5 (MANE Select); coding-DNA position 443, A replaced by G.
Protein change: p.Tyr148Cys; replaces tyrosine 148 with cysteine.
Molecular consequence: missense variant.
Genome position (GRCh38, 1-based): chr5:138,810,179, A>G. VCF-style: chr5-138810179-A-G. GRCh37 (hg19) VCF-style: chr5-138145868-A-G.
Other names: c.443A>G, p.Tyr148Cys (NM_001290307.3, NM_001323982.2, NM_001323983.1 and 3 more transcripts); c.134A>G, p.Tyr45Cys (NM_001290309.3); c.74A>G, p.Tyr25Cys (NM_001290310.3); c.443A>G (NM_001903.2); short protein forms Y25C, Y45C, Y148C.
Identifiers: ClinVar variation 3009409 (VCV003009409.4), dbSNP rs2149727545, ClinGen allele CA361123584.